The following is an entry in ClinVar:

ClinVar aggregate classification (germline): Uncertain significance. Review status: criteria provided, multiple submitters, no conflicts (2 of 4 stars). 2 submissions from 2 submitters: Uncertain significance (2). Last evaluated 2024-03-28.

Conditions:
Malignant hyperthermia, susceptibility to, 5 (MHS5). Also called: CACNA1S-Related Malignant Hyperthermia Susceptibility. Identifiers: Orphanet 423, MedGen C1866077, MONDO:0011163, OMIM 601887.
Hypokalemic periodic paralysis, type 1. Also called: HypoPP; Hypokalemic Periodic Paralysis Type 1 (AD). Identifiers: Orphanet 681, MedGen C3714580, MONDO:0042979, OMIM 170400.

Allele frequency attached by ClinVar (database versions not stated): ExAC 0.00001; gnomAD 0.00001; TOPMed 0.00002.
gnomAD v4.1: 10 of 1,614,020 alleles (0.00062%); highest among the groups gnomAD compares: Non-Finnish European, 0.00076%; no homozygotes.

Submissions (2):

Color Diagnostics, LLC DBA Color Health
Classification: Uncertain significance for Malignant hyperthermia, susceptibility to, 5. Last evaluated: 2024-03-28. Review status: criteria provided, single submitter. Criteria: ACMG Guidelines, 2015. Collection method: clinical testing. Allele origin: germline.
Comment: This missense variant replaces phenylalanine with valine at codon 835 of the CACNA1S protein. Computational prediction is inconclusive regarding the impact of this variant on protein structure and function. To our knowledge, functional studies have not been reported for this variant. This variant has not been reported in individuals affected with CACNA1S-related disorders in the literature. This variant has been identified in 1/251462 chromosomes in the general population by the Genome Aggregation Database (gnomAD). The available evidence is insufficient to determine the role of this variant in disease conclusively. Therefore, this variant is classified as a Variant of Uncertain Significance.

Labcorp Genetics (formerly Invitae), Labcorp
Classification: Uncertain significance for Hypokalemic periodic paralysis, type 1; Malignant hyperthermia, susceptibility to, 5. Last evaluated: 2023-04-07. Review status: criteria provided, single submitter. Criteria: Invitae Variant Classification Sherloc (09022015). Collection method: clinical testing. Allele origin: germline.
Comment: This sequence change replaces phenylalanine, which is neutral and non-polar, with valine, which is neutral and non-polar, at codon 835 of the CACNA1S protein (p.Phe835Val). This variant is present in population databases (rs752178238, gnomAD 0.0009%). This variant has not been reported in the literature in individuals affected with CACNA1S-related conditions. ClinVar contains an entry for this variant (Variation ID: 2145224). Advanced modeling of protein sequence and biophysical properties (such as structural, functional, and spatial information, amino acid conservation, physicochemical variation, residue mobility, and thermodynamic stability) performed at Invitae indicates that this missense variant is not expected to disrupt CACNA1S protein function. In summary, the available evidence is currently insufficient to determine the role of this variant in disease. Therefore, it has been classified as a Variant of Uncertain Significance.

NM_000069.3(CACNA1S):c.2503T>G (p.Phe835Val)

Gene: CACNA1S (calcium voltage-gated channel subunit alpha1 S; minus strand). Cytogenetic location: 1q32.1.
Variant type: single nucleotide variant.
Coding change: c.2503T>G on transcript NM_000069.3 (MANE Select); coding-DNA position 2503, T replaced by G.
Protein change: p.Phe835Val; replaces phenylalanine 835 with valine.
Molecular consequence: missense variant.
Genome position (GRCh38, 1-based): chr1:201,069,184, A>C on the plus strand (T>G on the coding strand, the complement: CACNA1S is on the minus strand). VCF-style: chr1-201069184-A-C. GRCh37 (hg19) VCF-style: chr1-201038312-A-C.
Other names: short protein forms F835V.
Identifiers: ClinVar variation 2145224 (VCV002145224.4), dbSNP rs752178238, ClinGen allele CA079044.